The following is an entry in ClinVar:

ClinVar aggregate classification (germline): Pathogenic (1 of 4 stars; one submission).

Conditions:
Glycine encephalopathy. Also called: Nonketotic hyperglycinemia; Non-ketotic hyperglycinemia. Identifiers: Orphanet 407, MedGen C0751748, MONDO:0011612, HP:0008288.

Submission:

Labcorp Genetics (formerly Invitae), Labcorp
Classification: Pathogenic for Glycine encephalopathy. Last evaluated: 2020-07-30. Review status: criteria provided, single submitter. Criteria: Invitae Variant Classification Sherloc (09022015). Collection method: clinical testing. Allele origin: germline.
Comment: For these reasons, this variant has been classified as Pathogenic. Donor and acceptor splice site variants typically lead to a loss of protein function (PMID: 16199547), and loss-of-function variants in GLDC are known to be pathogenic (PMID: 16601880). Algorithms developed to predict the effect of sequence changes on RNA splicing suggest that this variant may disrupt the consensus splice site, but this prediction has not been confirmed by published transcriptional studies. This variant has been observed in individual(s) with glycine encephalopathy (PMID: 27362913). In at least one individual the data is consistent with the variant being in trans (on the opposite chromosome) from a pathogenic variant. This variant is not present in population databases (ExAC no frequency). This sequence change affects a donor splice site in intron 6 of the GLDC gene. It is expected to disrupt RNA splicing and likely results in an absent or disrupted protein product.

Literature cited by the submitters: PubMed 16199547; PubMed 16601880; PubMed 27362913.

NM_000170.3(GLDC):c.861+2T>A

Gene: GLDC (glycine decarboxylase; minus strand). Cytogenetic location: 9p24.1.
Variant type: single nucleotide variant.
Coding change: c.861+2T>A on transcript NM_000170.3 (MANE Select); the canonical splice donor site of the intron after coding-DNA position 861, T replaced by A.
Molecular consequence: splice donor variant.
Genome position (GRCh38, 1-based): chr9:6,605,129, A>T on the plus strand (T>A on the coding strand, the complement: GLDC is on the minus strand). VCF-style: chr9-6605129-A-T. GRCh37 (hg19) VCF-style: chr9-6605129-A-T.
Identifiers: ClinVar variation 1070959 (VCV001070959.9), dbSNP rs2129897960, ClinGen allele CA372896202.